The following is an entry in ClinVar:

ClinVar aggregate classification (germline): Uncertain significance (1 of 4 stars; one submission).

Submission:

GeneDx
Classification: Uncertain significance. Last evaluated: 2025-05-18. Review status: criteria provided, single submitter. Criteria: GeneDx Variant Classification Process June 2021. Collection method: clinical testing. Allele origin: germline. Affected: yes.
Comment: Not observed at significant frequency in large population cohorts (gnomAD); In silico analysis suggests that this missense variant does not alter protein structure/function; Has not been previously published as pathogenic or benign to our knowledge

NM_006160.4(NEUROD2):c.667G>C (p.Gly223Arg)

Gene: NEUROD2 (neuronal differentiation 2; minus strand). Cytogenetic location: 17q12.
Variant type: single nucleotide variant.
Coding change: c.667G>C on transcript NM_006160.4 (MANE Select); coding-DNA position 667, G replaced by C.
Protein change: p.Gly223Arg; replaces glycine 223 with arginine.
Molecular consequence: missense variant.
Genome position (GRCh38, 1-based): chr17:39,605,933, C>G on the plus strand (G>C on the coding strand, the complement: NEUROD2 is on the minus strand). VCF-style: chr17-39605933-C-G. GRCh37 (hg19) VCF-style: chr17-37762186-C-G.
Other names: short protein forms G223R.
Identifiers: ClinVar variation 4530872 (VCV004530872.1).